The following is an entry in ClinVar:

NM_153741.2(DPM3):c.28G>C (p.Gly10Arg)

Gene: DPM3 (dolichyl-phosphate mannosyltransferase subunit 3, regulatory; minus strand). Cytogenetic location: 1q22.
Variant type: single nucleotide variant.
Coding change: c.28G>C on transcript NM_153741.2 (MANE Select); coding-DNA position 28, G replaced by C.
Protein change: p.Gly10Arg; replaces glycine 10 with arginine.
Molecular consequence: missense variant.
Genome position (GRCh38, 1-based): chr1:155,140,213, C>G on the plus strand (G>C on the coding strand, the complement: DPM3 is on the minus strand). VCF-style: chr1-155140213-C-G. GRCh37 (hg19) VCF-style: chr1-155112689-C-G.
Other names: c.118G>C, p.Gly40Arg (NM_018973.4); short protein forms G10R, G40R.
Identifiers: ClinVar variation 835255 (VCV000835255.8), dbSNP rs367584459, ClinGen allele CA1138449.

ClinVar aggregate classification (germline): Uncertain significance (1 of 4 stars; one submission).

Conditions:
DPM3-congenital disorder of glycosylation (MDDGC15). Also called: CDG Io; CDG1(DPM3); MUSCULAR DYSTROPHY-DYSTROGLYCANOPATHY (LIMB-GIRDLE), TYPE C, 15; DPM3-CDG. Identifiers: Orphanet 263494, MedGen C2752007, MONDO:0013049, OMIM 612937.

Allele frequency attached by ClinVar (database versions not stated): gnomAD exomes below 0.00001; ExAC 0.00001; gnomAD 0.00001; TOPMed 0.00001; ESP Exome Variant Server 0.00008.

Submission:

Labcorp Genetics (formerly Invitae), Labcorp
Classification: Uncertain significance for DPM3-congenital disorder of glycosylation. Last evaluated: 2020-09-21. Review status: criteria provided, single submitter. Criteria: Invitae Variant Classification Sherloc (09022015). Collection method: clinical testing. Allele origin: germline.
Comment: This sequence change replaces glycine with arginine at codon 10 of the DPM3 protein (p.Gly10Arg). The glycine residue is moderately conserved and there is a moderate physicochemical difference between glycine and arginine. This variant is present in population databases (rs367584459, ExAC 0.002%). This variant has not been reported in the literature in individuals with DPM3-related conditions. Algorithms developed to predict the effect of missense changes on protein structure and function (SIFT, PolyPhen-2, Align-GVGD) all suggest that this variant is likely to be tolerated, but these predictions have not been confirmed by published functional studies and their clinical significance is uncertain. In summary, the available evidence is currently insufficient to determine the role of this variant in disease. Therefore, it has been classified as a Variant of Uncertain Significance.